The following is an entry in ClinVar:

NM_001031715.3(IQCH):c.1824C>T (p.Thr608=)

Gene: IQCH (IQ motif containing H; plus strand). Cytogenetic location: 15q23.
Variant type: single nucleotide variant.
Coding change: c.1824C>T on transcript NM_001031715.3 (MANE Select); coding-DNA position 1824, C replaced by T.
Protein change: p.Thr608=; no amino-acid change (threonine 608 retained).
Molecular consequence: synonymous variant. On other transcripts: intron variant (8).
Genome position (GRCh38, 1-based): chr15:67,395,482, C>T. VCF-style: chr15-67395482-C-T. GRCh37 (hg19) VCF-style: chr15-67687820-C-T.
Other names: c.1114-4632C>T (NM_001322475.2, NM_001322470.2, NM_001322473.2); c.889-4632C>T (NM_001284348.2); c.1113+6476C>T (NM_001322474.2); c.877-4632C>T (NM_001284347.2, NM_001322471.2); c.876+6476C>T (NM_001322472.2).
Identifiers: ClinVar variation 2645482 (VCV002645482.24), dbSNP rs139553529, ClinGen allele CA7627905.

ClinVar aggregate classification (germline): Likely benign (1 of 4 stars; one submission).

Allele frequency attached by ClinVar (database versions not stated): 1000 Genomes Project 30x 0.00125; 1000 Genomes Project 0.00140; TOPMed 0.00278; gnomAD 0.00410; ExAC 0.00448; ESP Exome Variant Server 0.00469.
gnomAD v4.1: 6,989 of 1,613,998 alleles (0.43%); highest among the groups gnomAD compares: Non-Finnish European, 0.5%; 30 homozygotes.

Submission:

CeGaT Center for Human Genetics Tuebingen
Classification: Likely benign. Last evaluated: 2023-03-01. Review status: criteria provided, single submitter. Criteria: CeGaT Center For Human Genetics Tuebingen Variant Classification Criteria Version 2. Collection method: clinical testing. Allele origin: germline. Affected: yes. Observed: 1 variant allele.
Comment: IQCH: BP4, BS2